The following is an entry in ClinVar:

NM_002547.3(OPHN1):c.1226G>A (p.Arg409His)

Gene: OPHN1 (oligophrenin 1; minus strand). Cytogenetic location: Xq12.
Variant type: single nucleotide variant.
Coding change: c.1226G>A on transcript NM_002547.3 (MANE Select); coding-DNA position 1226, G replaced by A.
Protein change: p.Arg409His; replaces arginine 409 with histidine.
Molecular consequence: missense variant.
Genome position (GRCh38, 1-based): chrX:68,192,969, C>T on the plus strand (G>A on the coding strand, the complement: OPHN1 is on the minus strand). VCF-style: chrX-68192969-C-T. GRCh37 (hg19) VCF-style: chrX-67412811-C-T.
Other names: short protein forms R409H.
Identifiers: ClinVar variation 1333886 (VCV001333886.9), dbSNP rs771624663, ClinGen allele CA10436943.

ClinVar aggregate classification (germline): Conflicting classifications of pathogenicity. Review status: criteria provided, conflicting classifications (1 of 4 stars). 6 submissions from 6 submitters: Likely pathogenic (3); Uncertain significance (3). Last evaluated 2026-02-10.

Conditions:
OPHN1-related disorder.
Multiple congenital anomalies/dysmorphic syndrome-intellectual disability. Identifiers: Orphanet 102283, MedGen C5680372, MONDO:0015159.
Intellectual developmental disorder, X-linked, syndromic, Billuart type. Also called: MENTAL RETARDATION, X-LINKED 60; X-linked intellectual disability-cerebellar hypoplasia syndrome. Identifiers: Orphanet 137831, MedGen C1845366, MONDO:0010337, OMIM 300486.

Allele frequency attached by ClinVar (database versions not stated): gnomAD exomes 0.00001 and below 0.00001; ExAC 0.00001.
gnomAD v4.1: 1 of 1,209,681 alleles (0.000083%); highest among the groups gnomAD compares: Non-Finnish European, 0.00011%; no homozygotes.

Submissions (6):

GeneDx
Classification: Likely pathogenic. Last evaluated: 2026-02-10. Review status: criteria provided, single submitter. Criteria: GeneDx Variant Classification Process June 2021. Collection method: clinical testing. Allele origin: germline.
Comment: In silico analysis supports that this missense variant has a deleterious effect on protein structure/function; Has not been previously published as pathogenic or benign to our knowledge

Labcorp Genetics (formerly Invitae), Labcorp
Classification: Uncertain significance. Last evaluated: 2025-06-06. Review status: criteria provided, single submitter. Criteria: Invitae Variant Classification Sherloc (09022015). Collection method: clinical testing. Allele origin: germline.
Comment: This sequence change replaces arginine, which is basic and polar, with histidine, which is basic and polar, at codon 409 of the OPHN1 protein (p.Arg409His). The frequency data for this variant in the population databases is considered unreliable, as metrics indicate poor data quality at this position in the gnomAD database. This variant has not been reported in the literature in individuals affected with OPHN1-related conditions. ClinVar contains an entry for this variant (Variation ID: 1333886). An algorithm developed to predict the effect of missense changes on protein structure and function (PolyPhen-2) suggests that this variant is likely to be disruptive. In summary, the available evidence is currently insufficient to determine the role of this variant in disease. Therefore, it has been classified as a Variant of Uncertain Significance.

Blueprint Genetics
Classification: Likely pathogenic for OPHN1-related disorders. Last evaluated: 2024-02-21. Review status: criteria provided, single submitter. Criteria: ACMG Guidelines, 2015. Collection method: clinical testing. Allele origin: germline. Affected: yes. Observed: 3 variant alleles.

Clinical Genetics Laboratory, Skane University Hospital Lund
Classification: Uncertain significance. Last evaluated: 2022-05-27. Review status: criteria provided, single submitter. Criteria: ACMG Guidelines, 2015. Collection method: clinical testing. Allele origin: germline. Affected: yes.

AURAGEN, Plan France Médecine Génomique
Classification: Likely pathogenic for Multiple congenital anomalies/dysmorphic syndrome-intellectual disability. Last evaluated: 2022-05-11. Review status: criteria provided, single submitter. Criteria: PFMG2025 (Lancet Reg Health Eur. 2025). Collection method: clinical testing. Allele origin: germline. Affected: yes.

CENTOGENE GmbH and LLC - Guiding Precision Medicine
Classification: Uncertain significance for Intellectual developmental disorder, X-linked, syndromic, Billuart type. Last evaluated: 2020-05-28. Review status: criteria provided, single submitter. Criteria: ACMG Guidelines, 2015. Collection method: clinical testing. Allele origin: de novo.